The following is an entry in ClinVar:

ClinVar aggregate classification (germline): Likely benign. Review status: criteria provided, single submitter (1 of 4 stars). 2 submissions from 2 submitters: Likely benign (1). 1 of the submissions does not count toward it. Last evaluated 2022-11-23.

Conditions:
IFT74-related disorder. Also called: IFT74-Related Disorders; IFT74-related condition.

Allele frequency attached by ClinVar (database versions not stated): gnomAD exomes below 0.00001; gnomAD 0.00003.
gnomAD v4.1: 5 of 1,580,074 alleles (0.00032%); highest among the groups gnomAD compares: African/African-American, 0.0069%; no homozygotes.

Submissions (2):

Labcorp Genetics (formerly Invitae), Labcorp
Classification: Likely benign. Last evaluated: 2022-11-23. Review status: criteria provided, single submitter. Criteria: Invitae Variant Classification Sherloc (09022015). Collection method: clinical testing. Allele origin: germline.

PreventionGenetics, part of Exact Sciences
Classification: Likely benign for IFT74-related condition. Last evaluated: 2021-03-22. Review status: no assertion criteria provided. Collection method: clinical testing. Allele origin: germline. Not counted in ClinVar's aggregate classification.
Comment: This variant is classified as likely benign based on ACMG/AMP sequence variant interpretation guidelines (Richards et al. 2015 PMID: 25741868, with internal and published modifications).

NM_025103.4(IFT74):c.1359G>A (p.Leu453=)

Gene: IFT74 (intraflagellar transport 74; plus strand). Cytogenetic location: 9p21.2.
Variant type: single nucleotide variant.
Coding change: c.1359G>A on transcript NM_025103.4 (MANE Select); coding-DNA position 1359, G replaced by A.
Protein change: p.Leu453=; no amino-acid change (leucine 453 retained).
Molecular consequence: synonymous variant.
Genome position (GRCh38, 1-based): chr9:27,055,634, G>A. VCF-style: chr9-27055634-G-A. GRCh37 (hg19) VCF-style: chr9-27055632-G-A.
Other names: c.1359G>A, p.Leu453= (NM_001099222.3, NM_001099223.3, NM_001349928.2); c.1359G>A (NM_025103.2).
Identifiers: ClinVar variation 2909542 (VCV002909542.4), dbSNP rs938407138, ClinGen allele CA191355545.